The following is an entry in ClinVar:

NM_015158.5(KANK1):c.3733G>A (p.Gly1245Arg)

Gene: KANK1 (KN motif and ankyrin repeat domains 1; plus strand). Cytogenetic location: 9p24.3.
Variant type: single nucleotide variant.
Coding change: c.3733G>A on transcript NM_015158.5 (MANE Select); coding-DNA position 3733, G replaced by A.
Protein change: p.Gly1245Arg; replaces glycine 1245 with arginine.
Molecular consequence: missense variant. On other transcripts: non-coding transcript variant (1).
Genome position (GRCh38, 1-based): chr9:742,241, G>A. VCF-style: chr9-742241-G-A. GRCh37 (hg19) VCF-style: chr9-742241-G-A.
Other names: c.3733G>A, p.Gly1245Arg (NM_001256876.3, NM_001256877.3, NM_001354334.2); c.3493G>A, p.Gly1165Arg (NM_001354331.2); c.3679G>A, p.Gly1227Arg (NM_001354332.2); c.3259G>A, p.Gly1087Arg (NM_001354333.2, NM_001354335.2, NM_001354337.2 and 2 more transcripts); c.2965G>A, p.Gly989Arg (NM_001354336.2); c.3205G>A, p.Gly1069Arg (NM_001354338.2, NM_001354340.2, NM_001354344.2); c.3019G>A, p.Gly1007Arg (NM_001354339.2, NM_001354342.2, NM_001354343.2); short protein forms G1087R, G1007R, G1245R, G989R, G1227R, G1069R, G1165R.
Identifiers: ClinVar variation 1449918 (VCV001449918.9), dbSNP rs776210843, ClinGen allele CA4961155.

ClinVar aggregate classification (germline): Uncertain significance. Review status: criteria provided, multiple submitters, no conflicts (2 of 4 stars). 2 submissions from 2 submitters: Uncertain significance (2). Last evaluated 2023-10-16.

Conditions:
Cerebral palsy, spastic quadriplegic, 2 (CPSQ2). Identifiers: Orphanet 210141, MedGen C2752061, MONDO:0013033, OMIM 612900.

Allele frequency attached by ClinVar (database versions not stated): gnomAD 0.00005; gnomAD exomes 0.00005 and 0.00006; ExAC 0.00006; TOPMed 0.00006.
gnomAD v4.1: 84 of 1,614,074 alleles (0.0052%); highest among the groups gnomAD compares: Middle Eastern, 0.016%; no homozygotes.

Submissions (2):

Labcorp Genetics (formerly Invitae), Labcorp
Classification: Uncertain significance. Last evaluated: 2023-10-16. Review status: criteria provided, single submitter. Criteria: Invitae Variant Classification Sherloc (09022015). Collection method: clinical testing. Allele origin: germline.
Comment: This sequence change replaces glycine, which is neutral and non-polar, with arginine, which is basic and polar, at codon 1245 of the KANK1 protein (p.Gly1245Arg). This variant is present in population databases (rs776210843, gnomAD 0.01%). This variant has not been reported in the literature in individuals affected with KANK1-related conditions. ClinVar contains an entry for this variant (Variation ID: 1449918). An algorithm developed to predict the effect of missense changes on protein structure and function (PolyPhen-2) suggests that this variant is likely to be disruptive. In summary, the available evidence is currently insufficient to determine the role of this variant in disease. Therefore, it has been classified as a Variant of Uncertain Significance.

Fulgent Genetics
Classification: Uncertain significance for Cerebral palsy, spastic quadriplegic, 2. Last evaluated: 2022-05-31. Review status: criteria provided, single submitter. Criteria: ACMG Guidelines, 2015. Collection method: clinical testing. Allele origin: unknown.